The following is an entry in ClinVar:

ClinVar aggregate classification (germline): Uncertain significance. Review status: criteria provided, multiple submitters, no conflicts (2 of 4 stars). 2 submissions from 2 submitters: Uncertain significance (2). Last evaluated 2024-08-28.

Allele frequency attached by ClinVar (database versions not stated): gnomAD exomes below 0.00001.
gnomAD v4.1: 2 of 1,613,518 alleles (0.00012%); highest among the groups gnomAD compares: Non-Finnish European, 0.000085%; no homozygotes.

Submissions (2):

Labcorp Genetics (formerly Invitae), Labcorp
Classification: Uncertain significance. Last evaluated: 2024-08-28. Review status: criteria provided, single submitter. Criteria: Invitae Variant Classification Sherloc (09022015). Collection method: clinical testing. Allele origin: germline.
Comment: This sequence change replaces isoleucine, which is neutral and non-polar, with valine, which is neutral and non-polar, at codon 16 of the VCAN protein (p.Ile16Val). This variant is not present in population databases (gnomAD no frequency). This variant has not been reported in the literature in individuals affected with VCAN-related conditions. ClinVar contains an entry for this variant (Variation ID: 1308428). An algorithm developed to predict the effect of missense changes on protein structure and function outputs the following: PolyPhen-2: "Benign". The valine amino acid residue is found in multiple mammalian species, which suggests that this missense change does not adversely affect protein function. In summary, the available evidence is currently insufficient to determine the role of this variant in disease. Therefore, it has been classified as a Variant of Uncertain Significance.

GeneDx
Classification: Uncertain significance. Last evaluated: 2019-04-03. Review status: criteria provided, single submitter. Criteria: GeneDx Variant Classification Process June 2021. Collection method: clinical testing. Allele origin: germline. Affected: yes.
Comment: Not observed in large population cohorts (Lek et al., 2016); In silico analysis, which includes protein predictors and evolutionary conservation, supports that this variant does not alter protein structure/function; Has not been previously published as pathogenic or benign to our knowledge

NM_004385.5(VCAN):c.46A>G (p.Ile16Val)

Gene: VCAN (versican; plus strand). Cytogenetic location: 5q14.2.
Variant type: single nucleotide variant.
Coding change: c.46A>G on transcript NM_004385.5 (MANE Select); coding-DNA position 46, A replaced by G.
Protein change: p.Ile16Val; replaces isoleucine 16 with valine.
Molecular consequence: missense variant.
Genome position (GRCh38, 1-based): chr5:83,483,564, A>G. VCF-style: chr5-83483564-A-G. GRCh37 (hg19) VCF-style: chr5-82779383-A-G.
Other names: c.46A>G, p.Ile16Val (NM_001126336.3, NM_001164097.2, NM_001164098.2); short protein forms I16V.
Identifiers: ClinVar variation 1308428 (VCV001308428.4), dbSNP rs573332559, ClinGen allele CA360293196.
Genomic context (GRCh38, chr5:83,483,564, plus strand): 5'-CATTTCTAGGCCAAGATGTTCATAAATATAAAGAGCATCTTATGGATGTGTTCAACCTTA[A>G]TAGTAACCCATGCGCTACATAAAGGTGAGTGTGCTAACAATTTCTTTGGTGTTAATTGAA-3'
Protein context (NP_004376.2, residues 6-26): KSILWMCSTL[Ile16Val]VTHALHKVKV